The following is an entry in ClinVar:

NM_000222.3(KIT):c.232A>G (p.Lys78Glu)

Gene: KIT (KIT proto-oncogene, receptor tyrosine kinase; plus strand). Cytogenetic location: 4q12.
Variant type: single nucleotide variant.
Coding change: c.232A>G on transcript NM_000222.3 (MANE Select); coding-DNA position 232, A replaced by G.
Protein change: p.Lys78Glu; replaces lysine 78 with glutamic acid.
Molecular consequence: missense variant.
Genome position (GRCh38, 1-based): chr4:54,695,676, A>G. VCF-style: chr4-54695676-A-G. GRCh37 (hg19) VCF-style: chr4-55561842-A-G.
Other names: c.232A>G, p.Lys78Glu (NM_001093772.2, NM_001385284.1, NM_001385285.1 and 4 more transcripts); short protein forms K78E.
Identifiers: ClinVar variation 3288764 (VCV003288764.1).

ClinVar aggregate classification (germline): Uncertain significance (1 of 4 stars; one submission).

Conditions:
Hereditary cancer-predisposing syndrome. Also called: Tumor predisposition; Hereditary Cancer Syndrome; Hereditary neoplastic syndrome; Neoplastic Syndromes, Hereditary. Identifiers: Orphanet 140162, MedGen C0027672, MeSH D009386, MONDO:0015356.

Submission:

Ambry Genetics
Classification: Uncertain significance for Hereditary cancer-predisposing syndrome. Last evaluated: 2024-05-31. Review status: criteria provided, single submitter. Criteria: Ambry Variant Classification Scheme 2023. Collection method: clinical testing. Allele origin: germline.
Comment: The p.K78E variant (also known as c.232A>G), located in coding exon 2 of the KIT gene, results from an A to G substitution at nucleotide position 232. The lysine at codon 78 is replaced by glutamic acid, an amino acid with similar properties. This amino acid position is conserved. In addition, this alteration is predicted to be tolerated by in silico analysis. Based on the available evidence, the clinical significance of this variant remains unclear.